The following is an entry in ClinVar:

NM_001318852.2(MAPK8IP3):c.3598C>T (p.Arg1200Cys)

Gene: MAPK8IP3 (mitogen-activated protein kinase 8 interacting protein 3; plus strand). Cytogenetic location: 16p13.3.
Variant type: single nucleotide variant.
Coding change: c.3598C>T on transcript NM_001318852.2 (MANE Select); coding-DNA position 3598, C replaced by T.
Protein change: p.Arg1200Cys; replaces arginine 1200 with cysteine.
Molecular consequence: missense variant.
Genome position (GRCh38, 1-based): chr16:1,768,234, C>T. VCF-style: chr16-1768234-C-T. GRCh37 (hg19) VCF-style: chr16-1818235-C-T.
Other names: c.3595C>T (NM_015133.3); c.3577C>T, p.Arg1193Cys (NM_001040439.2); c.3595C>T, p.Arg1199Cys (NM_015133.5, NM_033392.3); short protein forms R1193C, R1199C, R1200C.
Identifiers: ClinVar variation 2433640 (VCV002433640.26), dbSNP rs775007768, ClinGen allele CA7817784.

ClinVar aggregate classification (germline): Conflicting classifications of pathogenicity. Review status: criteria provided, conflicting classifications (1 of 4 stars). 3 submissions from 3 submitters: Uncertain significance (1); Likely benign (2). Last evaluated 2024-02-01.

Conditions:
Neurodevelopmental disorder with or without variable brain abnormalities; NEDBA. Also called: NEURODEVELOPMENTAL DISORDER WITH OR WITHOUT VARIABLE BRAIN ABNORMALITIES. Identifiers: MedGen C5193102, MONDO:0032755, OMIM 618443.
Inborn genetic diseases. Identifiers: MedGen C0950123, MeSH D030342.

Allele frequency attached by ClinVar (database versions not stated): gnomAD exomes 0.00004; ExAC 0.00005; TOPMed 0.00008; gnomAD 0.00009.
gnomAD v4.1: 84 of 1,612,472 alleles (0.0052%); highest among the groups gnomAD compares: East Asian, 0.02%; no homozygotes.

Submissions (3):

CeGaT Center for Human Genetics Tuebingen
Classification: Likely benign. Last evaluated: 2024-02-01. Review status: criteria provided, single submitter. Criteria: CeGaT Center For Human Genetics Tuebingen Variant Classification Criteria Version 2. Collection method: clinical testing. Allele origin: germline. Affected: yes. Observed: 1 variant allele.
Comment: MAPK8IP3: BS1

Ambry Genetics
Classification: Likely benign for Inborn genetic diseases. Last evaluated: 2023-11-06. Review status: criteria provided, single submitter. Criteria: Ambry Variant Classification Scheme 2023. Collection method: clinical testing. Allele origin: germline.

Revvity Omics, Revvity
Classification: Uncertain significance for Neurodevelopmental disorder with or without variable brain abnormalities; NEDBA. Last evaluated: 2023-08-04. Review status: criteria provided, single submitter. Criteria: ACMG Guidelines, 2015. Collection method: clinical testing. Allele origin: germline.